The following is an entry in ClinVar:

NM_001267550.2(TTN):c.76739C>A (p.Thr25580Lys)

Genes: TTN (titin; minus strand), TTN-AS1 (TTN antisense RNA 1; plus strand). Cytogenetic location: 2q31.2.
Variant type: single nucleotide variant.
Coding change: c.76739C>A on transcript NM_001267550.2 (MANE Select); coding-DNA position 76739, C replaced by A.
Protein change: p.Thr25580Lys; replaces threonine 25580 with lysine.
Molecular consequence: missense variant.
Genome position (GRCh38, 1-based): chr2:178,569,393, G>T on the plus strand (C>A on the coding strand, the complement: TTN is on the minus strand). VCF-style: chr2-178569393-G-T. GRCh37 (hg19) VCF-style: chr2-179434120-G-T.
Other names: p.T23939K:ACG>AAG; c.71816C>A, p.Thr23939Lys (NM_001256850.1); c.69035C>A, p.Thr23012Lys (NM_133378.4); c.49544C>A, p.Thr16515Lys (NM_003319.4); c.49919C>A, p.Thr16640Lys (NM_133432.3); c.50120C>A, p.Thr16707Lys (NM_133437.4); short protein forms T23012K, T25580K, T23939K, T16515K, T16707K, T16640K.
Identifiers: ClinVar variation 192155 (VCV000192155.42), dbSNP rs56372592, ClinGen allele CA302618.

ClinVar aggregate classification (germline): Conflicting classifications of pathogenicity. Review status: criteria provided, conflicting classifications (1 of 4 stars). 18 submissions from 14 submitters: Uncertain significance (9); Benign (2); Likely benign (6). 1 of the submissions does not count toward it. Last evaluated 2026-05-26.

Conditions:
TTN-related disorder. Also called: TTN-related condition; TTN-related disease; TTN-related disorders.
Cardiovascular phenotype. Identifiers: MedGen CN230736.
Dilated cardiomyopathy 1G (CMD1G). Identifiers: Orphanet 154, MedGen C1858763, MONDO:0011400, OMIM 604145.
Autosomal recessive limb-girdle muscular dystrophy type 2J (LGMDR10). Also called: Limb-girdle muscular dystrophy, type 2J; MUSCULAR DYSTROPHY, LIMB-GIRDLE, AUTOSOMAL RECESSIVE 10. Identifiers: Orphanet 140922, MedGen C1837342, MONDO:0012127, OMIM 608807.
Cardiomyopathy (CMYO). Also called: Cardiomyopathies. Identifiers: Orphanet 167848, MedGen C0878544, MONDO:0004994, HP:0001638. Inheritance: Various modes of inheritance.
Myopathy, myofibrillar, 9, with early respiratory failure (MFM9). Also called: EDSTROM MYOPATHY; MYOPATHY, PROXIMAL, WITH EARLY RESPIRATORY MUSCLE INVOLVEMENT; Hereditary myopathy with early respiratory failure; Myopathy, distal, with early respiratory failure, autosomal dominant. Identifiers: Orphanet 178464, Orphanet 34521, MedGen C1863599, MONDO:0011362, OMIM 603689.
Tibial muscular dystrophy (TMD). Also called: Udd Distal Myopathy – Tibial Muscular Dystrophy; Tibial muscular dystrophy, tardive; UDD MYOPATHY. Identifiers: Orphanet 609, MedGen C1838244, MONDO:0010870, OMIM 600334.
Early-onset myopathy with fatal cardiomyopathy (CMYO5). Also called: CONGENITAL MYOPATHY 5 WITH CARDIOMYOPATHY; Salih Myopathy. Identifiers: Orphanet 289377, MedGen C2673677, MONDO:0012714, OMIM 611705. Disease mechanism: loss of function.

Allele frequency attached by ClinVar (database versions not stated): TOPMed 0.00028; ESP Exome Variant Server 0.00092.
gnomAD v4.1: 1,051 of 1,613,202 alleles (0.065%); highest among the groups gnomAD compares: Non-Finnish European, 0.085%; 1 homozygote.

Submissions (18):

Women's Health and Genetics/Laboratory Corporation of America, LabCorp
Classification: Uncertain significance. Last evaluated: 2026-05-26. Review status: criteria provided, single submitter. Criteria: LabCorp Variant Classification Summary - May 2015. Collection method: clinical testing. Allele origin: germline.
Comment: Variant summary: TTN c.69035C>A (p.Thr23012Lys) results in a non-conservative amino acid change located in the A-band region of the encoded protein sequence. Algorithms developed to predict the effect of missense changes on protein structure and function are either unavailable or do not agree on the potential impact of this missense change. The variant allele was found at a frequency of 0.00021 in 248058 control chromosomes, predominantly at a frequency of 0.00037 within the Non-Finnish European subpopulation in the gnomAD database. This frequency is not significantly higher than estimated for disease-causing variants in TTN, allowing no conclusion about variant significance. c.69035C>A has been observed in individuals with Hypertrophic Cardiomyopathy without strong evidence for causality (Lopes_2013). This report does not provide unequivocal conclusions about association of the variant with disease. To our knowledge, no experimental evidence demonstrating an impact on protein function has been reported. The following publications have been ascertained in the context of this evaluation (PMID: 23396983, 28704380). ClinVar contains an entry for this variant (Variation ID: 192155). Based on the evidence outlined above, the variant was classified as uncertain significance.

PreventionGenetics, part of Exact Sciences
Classification: Likely benign for TTN-related condition. Last evaluated: 2025-07-25. Review status: criteria provided, single submitter. Criteria: ACMG Guidelines, 2015. Collection method: clinical testing. Allele origin: germline.
Comment: This variant is classified as likely benign based on ACMG/AMP sequence variant interpretation guidelines (Richards et al. 2015 PMID: 25741868, with internal and published modifications).

Molecular Diagnostic Laboratory for Inherited Cardiovascular Disease, Montreal Heart Institute
Classification: Likely benign. Last evaluated: 2025-04-09. Review status: criteria provided, single submitter. Criteria: ACMG Guidelines, 2015. Collection method: clinical testing. Allele origin: germline. Affected: no.

Blueprint Genetics
Classification: Likely benign. Last evaluated: 2024-10-17. Review status: criteria provided, single submitter. Criteria: ACMG Guidelines, 2015. Collection method: clinical testing. Allele origin: germline.

ARUP Laboratories, Molecular Genetics and Genomics, ARUP Laboratories
Classification: Uncertain significance. Last evaluated: 2024-07-05. Review status: criteria provided, single submitter. Criteria: ARUP Molecular Germline Variant Investigation Process 2024. Collection method: clinical testing. Allele origin: germline.
Comment: The TTN c.76739C>A; p.Thr25580Lys variant (rs56372592; ClinVar Variation ID: 192155) is rare in the general population (<0.2% allele frequency in the Genome Aggregation Database) and has not been reported in the medical literature in association with dilated cardiomyopathy (DCM) or other TTN-related disease. The clinical relevance of rare missense variants in this gene, which are identified on average once per individual sequenced in affected populations (Herman 2012), is not well understood. Yet, evidence suggests that the vast majority of such missense variants do not contribute to the clinical outcome of DCM (Begay 2015). Thus, the clinical significance of the p.Thr25580Lys variant cannot be determined with certainty.

CeGaT Center for Human Genetics Tuebingen
Classification: Uncertain significance. Last evaluated: 2024-05-01. Review status: criteria provided, single submitter. Criteria: CeGaT Center For Human Genetics Tuebingen Variant Classification Criteria Version 2. Collection method: clinical testing. Allele origin: germline. Affected: yes. Observed: 1 variant allele.
Comment: TTN: PM2

Revvity Omics, Revvity
Classification: Uncertain significance. Last evaluated: 2022-08-16. Review status: criteria provided, single submitter. Criteria: ACMG Guidelines, 2015. Collection method: clinical testing. Allele origin: germline.

CHEO Genetics Diagnostic Laboratory, Children's Hospital of Eastern Ontario
Classification: Likely benign for Cardiomyopathy. Last evaluated: 2019-09-23. Review status: criteria provided, single submitter. Criteria: ACMG Guidelines, 2015. Collection method: clinical testing. Allele origin: germline.

Ambry Genetics
Classification: Likely benign for Cardiovascular phenotype. Last evaluated: 2019-05-29. Review status: criteria provided, single submitter. Criteria: Ambry Variant Classification Scheme 2023. Collection method: clinical testing. Allele origin: germline.

Illumina Laboratory Services, Illumina
Classification: Uncertain significance for Dilated cardiomyopathy 1G. Last evaluated: 2018-01-13. Review status: criteria provided, single submitter. Criteria: ICSL Variant Classification Criteria 13 December 2019. Collection method: clinical testing. Allele origin: germline.

Illumina Laboratory Services, Illumina
Classification: Uncertain significance for Autosomal recessive limb-girdle muscular dystrophy type 2J. Last evaluated: 2018-01-13. Review status: criteria provided, single submitter. Criteria: ICSL Variant Classification Criteria 13 December 2019. Collection method: clinical testing. Allele origin: germline.

Illumina Laboratory Services, Illumina
Classification: Uncertain significance for Early-onset myopathy with fatal cardiomyopathy. Last evaluated: 2018-01-13. Review status: criteria provided, single submitter. Criteria: ICSL Variant Classification Criteria 13 December 2019. Collection method: clinical testing. Allele origin: germline.

Illumina Laboratory Services, Illumina
Classification: Benign for Tibial muscular dystrophy. Last evaluated: 2018-01-13. Review status: criteria provided, single submitter. Criteria: ICSL Variant Classification Criteria 13 December 2019. Collection method: clinical testing. Allele origin: germline.
Comment: This variant was observed in the ICSL laboratory as part of a predisposition screen in an ostensibly healthy population. It had not been previously curated by ICSL or reported in the Human Gene Mutation Database (HGMD: prior to June 1st, 2018), and was therefore a candidate for classification through an automated scoring system. Utilizing variant allele frequency, disease prevalence and penetrance estimates, and inheritance mode, an automated score was calculated to assess if this variant is too frequent to cause the disease. Based on the score and internal cut-off values, a variant classified as benign is not then subjected to further curation. The score for this variant resulted in a classification of benign for this disease.

Illumina Laboratory Services, Illumina
Classification: Benign for Myopathy, myofibrillar, 9, with early respiratory failure. Last evaluated: 2018-01-13. Review status: criteria provided, single submitter. Criteria: ICSL Variant Classification Criteria 13 December 2019. Collection method: clinical testing. Allele origin: germline.
Comment: the same text as in the submission from Illumina Laboratory Services, Illumina above.

Labcorp Genetics (formerly Invitae), Labcorp
Classification: Uncertain significance for Dilated cardiomyopathy 1G; Autosomal recessive limb-girdle muscular dystrophy type 2J. Last evaluated: 2017-10-26. Review status: criteria provided, single submitter. Criteria: Invitae Variant Classification Sherloc (09022015). Collection method: clinical testing. Allele origin: germline.

Laboratory for Molecular Medicine, Mass General Brigham Personalized Medicine
Classification: Uncertain significance. Last evaluated: 2015-03-20. Review status: criteria provided, single submitter. Criteria: LMM Criteria. Collection method: clinical testing. Allele origin: germline. Observed: 1 variant allele.
Comment: The p.Thr23012Lys variant in TTN has not been identified in individuals with car diomyopathy but has been identified in 21/66636 European chromosomes by the Exom e Aggregation Consortium (ExAC; dbSNP rs56372592 . Computational prediction tools and conservation analysis do not provide strong support for or against an impact to the protein. In summary, the clinical signi ficance of the p.Thr23012Lys variant is uncertain.

Biesecker Lab/Clinical Genomics Section, National Institutes of Health
Classification: Likely benign. Last evaluated: 2013-06-24. Review status: criteria provided, single submitter. Criteria: Ng et al. (Circ Cardiovasc Genet. 2013). Collection method: research. Allele origin: unknown. Observed: 1 variant allele. Study: ClinSeq.
Comment: The study set was not selected for affection status in relation to any cancer. Pathogenicity categories were based on literature curation. See Pubmed ID:23861362 for details.

Medical sequencing

GeneDx
No classification provided. Last evaluated: 2014-04-02. Review status: no classification provided. Criteria: GeneDx Variant Classification (06012015). Collection method: clinical testing. Allele origin: germline. Affected: yes. Not counted in ClinVar's aggregate classification.
Comment: Missense variants in the TTN gene are considered 'unclassified' if they are not previously reported in the literature and do not have >1% frequency in the population to be considered a polymorphism. Research indicates that truncating mutations in the TTN gene are expected to account for approximately 25% of familial and 18% of sporadic idiopathic DCM; however, truncating variants in the TTN gene have been reported in approximately 3% of reported control alleles. There has been little investigation into non-truncating variants. (Herman D et al. Truncations of titin causing dilated cardiomyopathy. N Eng J Med 366:619-628, 2012) The variant is found in CARDIOMYOPATHY panel(s).

Literature cited by the submitters: PubMed 23396983 (cited by Women's Health and Genetics/Laboratory Corporation of America, LabCorp and Ambry Genetics); PubMed 28704380 (cited by Women's Health and Genetics/Laboratory Corporation of America, LabCorp); PubMed 23861362 (cited by Ambry Genetics).